The following is an entry in ClinVar:

NM_004329.3(BMPR1A):c.425T>A (p.Val142Asp)

Gene: BMPR1A (bone morphogenetic protein receptor type 1A; plus strand). Cytogenetic location: 10q23.2.
Variant type: single nucleotide variant.
Coding change: c.425T>A on transcript NM_004329.3 (MANE Select); coding-DNA position 425, T replaced by A.
Protein change: p.Val142Asp; replaces valine 142 with aspartic acid.
Molecular consequence: missense variant. On other transcripts: non-coding transcript variant (3), intron variant (1).
Genome position (GRCh38, 1-based): chr10:86,899,885, T>A. VCF-style: chr10-86899885-T-A. GRCh37 (hg19) VCF-style: chr10-88659642-T-A.
Other names: c.425T>A, p.Val142Asp (NM_001406563.1, NM_001406564.1, NM_001406565.1 and 22 more transcripts); c.333+7656T>A (NM_001406589.1); c.341T>A, p.Val114Asp (NM_001406584.1, NM_001406585.1, NM_001406586.1 and 2 more transcripts); short protein forms V114D, V142D.
Identifiers: ClinVar variation 5033033 (VCV005033033.1).

ClinVar aggregate classification (germline): Uncertain significance (1 of 4 stars; one submission).

Conditions:
Hereditary cancer-predisposing syndrome. Also called: Neoplastic Syndromes, Hereditary; Tumor predisposition; Hereditary neoplastic syndrome; Hereditary Cancer Syndrome. Identifiers: Orphanet 140162, MedGen C0027672, MeSH D009386, MONDO:0015356.

Submission:

Ambry Genetics
Classification: Uncertain significance for Hereditary cancer-predisposing syndrome. Last evaluated: 2026-07-24. Review status: criteria provided, single submitter. Criteria: Ambry Variant Classification Scheme 2023. Collection method: clinical testing. Allele origin: germline.
Comment: The p.V142D variant (also known as c.425T>A), located in coding exon 4 of the BMPR1A gene, results from a T to A substitution at nucleotide position 425. The valine at codon 142 is replaced by aspartic acid, an amino acid with highly dissimilar properties. This amino acid position is conserved. In addition, this alteration is predicted to be tolerated by in silico analysis. Based on the available evidence, the clinical significance of this variant remains unclear.